The following is an entry in ClinVar:

NM_001384732.1(CPLANE1):c.8753A>C (p.Glu2918Ala)

Gene: CPLANE1 (ciliogenesis and planar polarity effector complex subunit 1; minus strand). Cytogenetic location: 5p13.2.
Variant type: single nucleotide variant.
Coding change: c.8753A>C on transcript NM_001384732.1 (MANE Select); coding-DNA position 8753, A replaced by C.
Protein change: p.Glu2918Ala; replaces glutamic acid 2918 with alanine.
Molecular consequence: missense variant.
Genome position (GRCh38, 1-based): chr5:37,138,759, T>G on the plus strand (A>C on the coding strand, the complement: CPLANE1 is on the minus strand). VCF-style: chr5-37138759-T-G. GRCh37 (hg19) VCF-style: chr5-37138861-T-G.
Other names: c.8591A>C, p.Glu2864Ala (NM_023073.4); short protein forms E2864A, E2918A.
Identifiers: ClinVar variation 2112352 (VCV002112352.4), dbSNP rs2546977312, ClinGen allele CA359505183.

ClinVar aggregate classification (germline): Uncertain significance (1 of 4 stars; one submission).

Submission:

Labcorp Genetics (formerly Invitae), Labcorp
Classification: Uncertain significance. Last evaluated: 2022-08-15. Review status: criteria provided, single submitter. Criteria: Invitae Variant Classification Sherloc (09022015). Collection method: clinical testing. Allele origin: germline.
Comment: In summary, the available evidence is currently insufficient to determine the role of this variant in disease. Therefore, it has been classified as a Variant of Uncertain Significance. Advanced modeling of protein sequence and biophysical properties (such as structural, functional, and spatial information, amino acid conservation, physicochemical variation, residue mobility, and thermodynamic stability) performed at Invitae indicates that this missense variant is not expected to disrupt CPLANE1 protein function. This variant has not been reported in the literature in individuals affected with CPLANE1-related conditions. This variant is not present in population databases (gnomAD no frequency). This sequence change replaces glutamic acid, which is acidic and polar, with alanine, which is neutral and non-polar, at codon 2864 of the CPLANE1 protein (p.Glu2864Ala).